The following is an entry in ClinVar:

ClinVar aggregate classification (germline): Uncertain significance. Review status: criteria provided, multiple submitters, no conflicts (2 of 4 stars). 2 submissions from 2 submitters: Uncertain significance (2). Last evaluated 2025-12-29.

Conditions:
DICER1-related tumor predisposition. Also called: DICER1-related pleuropulmonary blastoma cancer predisposition syndrome; DICER1 syndrome. Identifiers: Orphanet 284343, MedGen C3839822, MONDO:0100216.

gnomAD v4.1: 2 of 1,614,066 alleles (0.00012%); highest among the groups gnomAD compares: East Asian, 0.0022%; no homozygotes.

Submissions (2):

Center for Genomic Medicine, Rigshospitalet, Copenhagen University Hospital
Classification: Uncertain significance. Last evaluated: 2025-12-29. Review status: criteria provided, single submitter. Criteria: ACMG Guidelines, 2015. Collection method: clinical testing. Allele origin: germline.
Comment: Classification criteria: BP4

Labcorp Genetics (formerly Invitae), Labcorp
Classification: Uncertain significance for DICER1-related tumor predisposition. Last evaluated: 2025-08-30. Review status: criteria provided, single submitter. Criteria: Invitae Variant Classification Sherloc (09022015). Collection method: clinical testing. Allele origin: germline.
Comment: This sequence change replaces lysine, which is basic and polar, with asparagine, which is neutral and polar, at codon 1844 of the DICER1 protein (p.Lys1844Asn). This variant is present in population databases (no rsID available, gnomAD 0.006%). This variant has not been reported in the literature in individuals affected with DICER1-related conditions. Invitae Evidence Modeling of protein sequence and biophysical properties (such as structural, functional, and spatial information, amino acid conservation, physicochemical variation, residue mobility, and thermodynamic stability) indicates that this missense variant is not expected to disrupt DICER1 protein function with a negative predictive value of 95%. In summary, the available evidence is currently insufficient to determine the role of this variant in disease. Therefore, it has been classified as a Variant of Uncertain Significance.

NM_177438.3(DICER1):c.5532G>C (p.Lys1844Asn)

Gene: DICER1 (dicer 1, ribonuclease III; minus strand). Cytogenetic location: 14q32.13.
Variant type: single nucleotide variant.
Coding change: c.5532G>C on transcript NM_177438.3 (MANE Select); coding-DNA position 5532, G replaced by C.
Protein change: p.Lys1844Asn; replaces lysine 1844 with asparagine.
Molecular consequence: missense variant. On other transcripts: non-coding transcript variant (6).
Genome position (GRCh38, 1-based): chr14:95,091,105, C>G on the plus strand (G>C on the coding strand, the complement: DICER1 is on the minus strand). VCF-style: chr14-95091105-C-G. GRCh37 (hg19) VCF-style: chr14-95557442-C-G.
Other names: c.5369G>C, p.Ser1790Thr (NM_001195573.1); c.5532G>C, p.Lys1844Asn (NM_001271282.3, NM_001291628.2, NM_001395677.1 and 7 more transcripts); c.5250G>C, p.Lys1750Asn (NM_001395686.1); c.5127G>C, p.Lys1709Asn (NM_001395687.1, NM_001395688.1, NM_001395689.1 and 1 more transcripts); c.4965G>C, p.Lys1655Asn (NM_001395691.1); c.3849G>C, p.Lys1283Asn (NM_001395697.1); short protein forms K1283N, K1655N, K1709N, K1750N, K1844N, S1790T.
Identifiers: ClinVar variation 4539123 (VCV004539123.2).